The following is an entry in ClinVar:

ClinVar aggregate classification (germline): Uncertain significance (1 of 4 stars; one submission).

Conditions:
Hereditary cancer-predisposing syndrome. Also called: Tumor predisposition; Hereditary neoplastic syndrome; Hereditary Cancer Syndrome; Neoplastic Syndromes, Hereditary. Identifiers: Orphanet 140162, MedGen C0027672, MeSH D009386, MONDO:0015356.

Submission:

Ambry Genetics
Classification: Uncertain significance for Hereditary cancer-predisposing syndrome. Last evaluated: 2023-10-19. Review status: criteria provided, single submitter. Criteria: Ambry Variant Classification Scheme 2023. Collection method: clinical testing. Allele origin: germline.
Comment: The p.R145G variant (also known as c.433C>G), located in coding exon 5 of the RAD51D gene, results from a C to G substitution at nucleotide position 433. The arginine at codon 145 is replaced by glycine, an amino acid with dissimilar properties. This amino acid position is conserved. In addition, this alteration is predicted to be deleterious by in silico analysis. Since supporting evidence is limited at this time, the clinical significance of this alteration remains unclear.

NM_002878.4(RAD51D):c.433C>G (p.Arg145Gly)

Genes: RAD51L3-RFFL (RAD51L3-RFFL readthrough; minus strand), RAD51D (RAD51 paralog D; minus strand). Cytogenetic location: 17q12.
Variant type: single nucleotide variant.
Coding change: c.433C>G on transcript NM_002878.4 (MANE Select); coding-DNA position 433, C replaced by G.
Protein change: p.Arg145Gly; replaces arginine 145 with glycine.
Molecular consequence: missense variant. On other transcripts: non-coding transcript variant (1), intron variant (1).
Genome position (GRCh38, 1-based): chr17:35,107,035, G>C on the plus strand (C>G on the coding strand, the complement: RAD51D is on the minus strand). VCF-style: chr17-35107035-G-C. GRCh37 (hg19) VCF-style: chr17-33434054-G-C.
Other names: c.493C>G, p.Arg165Gly (NM_001142571.2); c.145-554C>G (NM_133629.3); short protein forms R145G, R165G.
Identifiers: ClinVar variation 3222883 (VCV003222883.1), dbSNP rs755173206, ClinGen allele CA399089239.
Genomic context (GRCh38, chr17:35,107,035, plus strand): 5'-ATCCTGCCCTTACCTGTTCCTCCTCATCCTGGGTTTTAGCCTGAAGCAGCTGGAGGAGGC[G>C]GGAAGCTGTCAGCCCTCCATTGGAATCTACATATAGGACGTTTTGCTGCAGGCCATGGGC-3'
Protein context (NP_002869.3, residues 135-155): VDSNGGLTAS[Arg145Gly]LLQLLQAKTQ